The following is an entry in ClinVar:

NM_172364.5(CACNA2D4):c.2132G>A (p.Arg711Lys)

Gene: CACNA2D4 (calcium voltage-gated channel auxiliary subunit alpha2delta 4; minus strand). Cytogenetic location: 12p13.33.
Variant type: single nucleotide variant.
Coding change: c.2132G>A on transcript NM_172364.5 (MANE Select); coding-DNA position 2132, G replaced by A.
Protein change: p.Arg711Lys; replaces arginine 711 with lysine.
Molecular consequence: missense variant.
Genome position (GRCh38, 1-based): chr12:1,856,032, C>T on the plus strand (G>A on the coding strand, the complement: CACNA2D4 is on the minus strand). VCF-style: chr12-1856032-C-T. GRCh37 (hg19) VCF-style: chr12-1965198-C-T.
Other names: short protein forms R711K.
Identifiers: ClinVar variation 2806209 (VCV002806209.3), dbSNP rs2498040882, ClinGen allele CA383349044.

ClinVar aggregate classification (germline): Uncertain significance (1 of 4 stars; one submission).

Allele frequency attached by ClinVar (database versions not stated): gnomAD exomes below 0.00001.
gnomAD v4.1: 1 of 1,613,952 alleles (0.000062%); highest among the groups gnomAD compares: Non-Finnish European, 0.000085%; no homozygotes.

Submission:

Labcorp Genetics (formerly Invitae), Labcorp
Classification: Uncertain significance. Last evaluated: 2023-02-27. Review status: criteria provided, single submitter. Criteria: Invitae Variant Classification Sherloc (09022015). Collection method: clinical testing. Allele origin: germline.
Comment: In summary, the available evidence is currently insufficient to determine the role of this variant in disease. Therefore, it has been classified as a Variant of Uncertain Significance. An algorithm developed to predict the effect of missense changes on protein structure and function (PolyPhen-2) suggests that this variant is likely to be tolerated. This variant has not been reported in the literature in individuals affected with CACNA2D4-related conditions. This variant is not present in population databases (gnomAD no frequency). This sequence change replaces arginine, which is basic and polar, with lysine, which is basic and polar, at codon 711 of the CACNA2D4 protein (p.Arg711Lys).